The following is an entry in ClinVar:

NM_020975.6(RET):c.2477A>C (p.Tyr826Ser)

Gene: RET (ret proto-oncogene; plus strand). Cytogenetic location: 10q11.21.
Variant type: single nucleotide variant.
Coding change: c.2477A>C on transcript NM_020975.6 (MANE Select); coding-DNA position 2477, A replaced by C.
Protein change: p.Tyr826Ser; replaces tyrosine 826 with serine.
Molecular consequence: missense variant.
Genome position (GRCh38, 1-based): chr10:43,119,615, A>C. VCF-style: chr10-43119615-A-C. GRCh37 (hg19) VCF-style: chr10-43615063-A-C.
Other names: c.1580A>C, p.Tyr527Ser (NM_001406781.1, NM_001406782.1, NM_001406779.1 and 1 more transcripts); c.1451A>C, p.Tyr484Ser (NM_001406783.1, NM_001406786.1); c.1487A>C, p.Tyr496Ser (NM_001406784.1); c.1460A>C, p.Tyr487Ser (NM_001406785.1); c.1445A>C, p.Tyr482Ser (NM_001406787.1); c.1292A>C, p.Tyr431Ser (NM_001406788.1, NM_001406789.1, NM_001406790.1); c.2477A>C (NM_020630.5); c.2477A>C, p.Tyr826Ser (NM_000323.2, NM_001406743.1, NM_001406744.1 and 4 more transcripts); and 11 more; short protein forms Y826S, Y572S, Y482S, Y527S, Y694S, Y343S, Y431S, Y487S.
Identifiers: ClinVar variation 220530 (VCV000220530.33), dbSNP rs34617196, ClinGen allele CA039378.

ClinVar aggregate classification (germline): Conflicting classifications of pathogenicity. Review status: criteria provided, conflicting classifications (1 of 4 stars). 13 submissions from 12 submitters: Uncertain significance (9); Likely benign (2). 2 of the submissions do not count toward it. Last evaluated 2026-10-01.

Conditions:
Pheochromocytoma. Also called: MAX-Related Hereditary Paraganglioma-Pheochromocytoma Syndrome. Identifiers: Orphanet 29072, MedGen C0031511, MONDO:0008233, OMIM 171300, HP:0002666.
Hirschsprung disease, susceptibility to, 1 (HSCR1). Also called: RET-Related Hirschsprung Disease. Identifiers: Orphanet 388, MedGen C3888239, MONDO:0007723, OMIM 142623.
Familial medullary thyroid carcinoma (MTC). Also called: Thyroid cancer, familial medullary; MTC, familial; Familial Medullary Thyroid Carcinoma (FMTC). Identifiers: Orphanet 653, Orphanet 99361, MedGen C1833921, MONDO:0007958, OMIM 155240.
Multiple endocrine neoplasia type 2B. Also called: WAGENMANN-FROBOESE SYNDROME; MULTIPLE ENDOCRINE NEOPLASIA, TYPE III; MEN 2B; MUCOSAL NEUROMA SYNDROME; MULTIPLE ENDOCRINE NEOPLASIA, TYPE IIB; MEN IIB. Identifiers: Orphanet 247709, Orphanet 653, MedGen C0025269, MeSH D018814, MONDO:0008082, OMIM 162300.
Multiple endocrine neoplasia type 2A. Also called: MULTIPLE ENDOCRINE NEOPLASIA, TYPE IIA; PTC SYNDROME; SIPPLE SYNDROME; MEN 2A; MEN-2A syndrome; Pheochromocytoma and amyloid producing medullary thyroid carcinoma. Identifiers: Orphanet 247698, Orphanet 653, MedGen C0025268, MeSH D018813, MONDO:0008234, OMIM 171400.
RET-related disorder. Also called: RET-related disorders; RET-related condition; RET-related disease.
Hereditary cancer-predisposing syndrome. Also called: Tumor predisposition; Hereditary neoplastic syndrome; Neoplastic Syndromes, Hereditary; Hereditary Cancer Syndrome. Identifiers: Orphanet 140162, MedGen C0027672, MeSH D009386, MONDO:0015356.
Multiple endocrine neoplasia, type 2 (MEN2). Identifiers: Orphanet 653, MedGen C4048306, MONDO:0019003. Disease mechanism: gain of function.

Allele frequency attached by ClinVar (database versions not stated): TOPMed 0.00004; ExAC 0.00007; gnomAD 0.00003 and 0.00004; gnomAD exomes 0.00004.
gnomAD v4.1: 93 of 1,612,722 alleles (0.0058%); highest among the groups gnomAD compares: Non-Finnish European, 0.0074%; no homozygotes.

Submissions (13):

St. Jude Molecular Pathology, St. Jude Children's Research Hospital
Classification: Uncertain significance for Multiple endocrine neoplasia type 2A. Last evaluated: 2026-10-01. Review status: criteria provided, single submitter. Criteria: St. Jude Assertion Criteria 2020. Collection method: clinical testing. Allele origin: germline.
Comment: The RET c.2477A>C p.(Tyr826Ser) missense change has a maximum subpopulation frequency of 0.008% in gnomAD v2.1.1. The in silico tool REVEL is inconclusive about a pathogenic or benign effect of this variant on protein function, and to our knowledge functional studies have not been performed. This variant has been reported in an individual with medullary thyroid cancer w ho also had a RET p.Val804Met variant (PMID: 27099842).In summary, the evidence currently available is insufficient to determine the clinical significance of this variant. It has therefore been classified as of uncertain significance (VUS-Low).

Labcorp Genetics (formerly Invitae), Labcorp
Classification: Uncertain significance for Multiple endocrine neoplasia, type 2. Last evaluated: 2026-01-21. Review status: criteria provided, single submitter. Criteria: Invitae Variant Classification Sherloc (09022015). Collection method: clinical testing. Allele origin: germline.
Comment: This sequence change replaces tyrosine, which is neutral and polar, with serine, which is neutral and polar, at codon 826 of the RET protein (p.Tyr826Ser). This variant is present in population databases (rs34617196, gnomAD 0.008%). This missense change has been observed in individual(s) with medullary thyroid carcinoma and C-cell hyperplasia (PMID: 27099842, 37937776). ClinVar contains an entry for this variant (Variation ID: 220530). An algorithm developed to predict the effect of missense changes on protein structure and function (PolyPhen-2) suggests that this variant is likely to be disruptive. In summary, the available evidence is currently insufficient to determine the role of this variant in disease. Therefore, it has been classified as a Variant of Uncertain Significance.

PreventionGenetics, part of Exact Sciences
Classification: Uncertain significance for RET-related condition. Last evaluated: 2025-11-09. Review status: criteria provided, single submitter. Criteria: ACMG Guidelines, 2015. Collection method: clinical testing. Allele origin: germline.
Comment: The RET c.2477A>C variant is predicted to result in the amino acid substitution p.Tyr826Ser. This variant resides in a well-conserved domain where missense variants are known to be pathogenic for RET-associated disorders. Reduced penetrance and variable expressivity are well-documented in RET-associated disorders and was apparent in this family. The proband’s mother, who was heterozygous for this variant, had a history of microfollicular thyroid adenomas while other heterozygotes did not present with any clinical signs of medullary thyroid disease (Karrasch et al. 2016. PubMed ID: 27099842). This variant is reported in 0.0081% of alleles in individuals of African descent in gnomAD and has conflicting interpretations in ClinVar ranging from likely benign to uncertain (Variation ID: 220530). At this time, the clinical significance of this variant is uncertain due to the absence of conclusive functional and genetic evidence.

Center for Genomic Medicine, Rigshospitalet, Copenhagen University Hospital
Classification: Uncertain significance. Last evaluated: 2025-03-04. Review status: criteria provided, single submitter. Criteria: ACMG Guidelines, 2015. Collection method: clinical testing. Allele origin: germline.

Quest Diagnostics Nichols Institute San Juan Capistrano
Classification: Uncertain significance. Last evaluated: 2025-01-31. Review status: criteria provided, single submitter. Criteria: Quest Diagnostics criteria. Collection method: clinical testing. Allele origin: unknown.

Fulgent Genetics
Classification: Uncertain significance for Hirschsprung disease, susceptibility to, 1; Familial medullary thyroid carcinoma; Multiple endocrine neoplasia type 2B; Pheochromocytoma; Multiple endocrine neoplasia type 2A. Last evaluated: 2024-04-16. Review status: criteria provided, single submitter. Criteria: ACMG Guidelines, 2015. Collection method: clinical testing. Allele origin: germline.

Color Diagnostics, LLC DBA Color Health
Classification: Uncertain significance for Multiple endocrine neoplasia, type 2. Last evaluated: 2024-02-01. Review status: criteria provided, single submitter. Criteria: ACMG Guidelines, 2015. Collection method: clinical testing. Allele origin: germline.
Comment: This missense variant replaces tyrosine with serine at codon 826 of the RET protein. Computational prediction suggests that this variant may not impact protein structure and function. To our knowledge, functional studies have not been reported for this variant. This variant has been reported in one family affected with familial medullary thyroid cancer, this family also carried a known pathogenic variant in the RET gene, which could explain the observed phenotype (PMID: 27099842). This variant has been identified in 12/280422 chromosomes in the general population by the Genome Aggregation Database (gnomAD). The available evidence is insufficient to determine the role of this variant in disease conclusively. Therefore, this variant is classified as a Variant of Uncertain Significance.

GeneDx
Classification: Uncertain significance. Last evaluated: 2023-11-27. Review status: criteria provided, single submitter. Criteria: GeneDx Variant Classification Process June 2021. Collection method: clinical testing. Allele origin: germline. Affected: yes.
Comment: In silico analysis supports that this missense variant has a deleterious effect on protein structure/function; Observed in trans with the pathogenic RET variant V804M in a patient with medullary thyroid cancer who had both maternal and paternal family histories of thyroid cancer (PMID: 27099842); This variant is associated with the following publications: (PMID: 24336963, 26206375, 27527004, 14633923, 17344846, 27099842)

Baylor Genetics
Classification: Uncertain significance for Hirschsprung disease, susceptibility to, 1. Last evaluated: 2023-10-19. Review status: criteria provided, single submitter. Criteria: ACMG Guidelines, 2015. Collection method: clinical testing. Allele origin: unknown.

Myriad Genetics, Inc.
Classification: Likely benign for Multiple endocrine neoplasia type 2A. Last evaluated: 2023-04-18. Review status: criteria provided, single submitter. Criteria: Myriad Autosomal Dominant, Autosomal Recessive and X-Linked Classification Criteria (2023). Collection method: clinical testing. Allele origin: unknown.
Comment: This variant is considered likely benign. This variant has been observed at a population frequency that is significantly greater than expected given the associated disease prevalence and penetrance.

Ambry Genetics
Classification: Likely benign for Hereditary cancer-predisposing syndrome. Last evaluated: 2021-10-28. Review status: criteria provided, single submitter. Criteria: Ambry Variant Classification Scheme 2023. Collection method: clinical testing. Allele origin: germline.

Counsyl
Classification: Uncertain significance for Multiple endocrine neoplasia type 2B. Last evaluated: 2016-11-08. Review status: no assertion criteria provided. Collection method: clinical testing. Allele origin: unknown. Not counted in ClinVar's aggregate classification.

Counsyl
Classification: Uncertain significance for Multiple endocrine neoplasia type 2A. Last evaluated: 2016-11-08. Review status: no assertion criteria provided. Collection method: clinical testing. Allele origin: unknown. Not counted in ClinVar's aggregate classification.

Literature cited by the submitters: PubMed 27099842 (cited by 3 submitters); PubMed 37937776 (cited by Labcorp Genetics (formerly Invitae), Labcorp); PubMed 26206375 (cited by Counsyl); PubMed 27527004 (cited by Counsyl); PubMed 24336963 (cited by Counsyl); PubMed 17344846 (cited by Counsyl).